The following is an entry in ClinVar:

NM_005222.4(DLX6):c.99_113del (p.Gln40_Gln44del)

Genes: DLX6 (distal-less homeobox 6; plus strand), DLX6-AS1 (DLX6 antisense RNA 1; minus strand). Cytogenetic location: 7q21.3.
Variant type: Deletion.
Coding change: c.99_113del on transcript NM_005222.4 (MANE Select); coding-DNA positions 99 to 113, 15 bases deleted (ACAGCAGCAGCAGCA).
Protein change: p.Gln40_Gln44del.
Molecular consequence: inframe deletion.
Genome position (GRCh38, 1-based): chr7:97,006,076-97,006,090, ACAGCAGCAGCAGCA deleted; deleting any 15 consecutive bases within chr7:97,006,062-97,006,090 gives the same sequence; the c. name uses the placement nearest the transcript's 3' end. VCF-style (leftmost placement, unchanged base first): chr7-97006061-GCAGCAGCAGCAGCAA-G. GRCh37 (hg19) VCF-style: chr7-96635373-GCAGCAGCAGCAGCAA-G.
Identifiers: ClinVar variation 1501223 (VCV001501223.8), dbSNP rs750069203, ClinGen allele CA4353691.

ClinVar aggregate classification (germline): Uncertain significance (1 of 4 stars; one submission).

Submission:

Labcorp Genetics (formerly Invitae), Labcorp
Classification: Uncertain significance. Last evaluated: 2023-08-17. Review status: criteria provided, single submitter. Criteria: Invitae Variant Classification Sherloc (09022015). Collection method: clinical testing. Allele origin: germline.
Comment: In summary, the available evidence is currently insufficient to determine the role of this variant in disease. Therefore, it has been classified as a Variant of Uncertain Significance. Experimental studies and prediction algorithms are not available or were not evaluated, and the functional significance of this variant is currently unknown. ClinVar contains an entry for this variant (Variation ID: 1501223). This variant has not been reported in the literature in individuals affected with DLX6-related conditions. The frequency data for this variant in the population databases is considered unreliable, as metrics indicate poor data quality at this position in the gnomAD database. This variant, c.99_113del, results in the deletion of 5 amino acid(s) of the DLX6 protein (p.Gln40_Gln44del), but otherwise preserves the integrity of the reading frame.